The following is an entry in ClinVar:

NM_000435.3(NOTCH3):c.1672C>G (p.Arg558Gly)

Gene: NOTCH3 (notch receptor 3; minus strand). Cytogenetic location: 19p13.12.
Variant type: single nucleotide variant.
Coding change: c.1672C>G on transcript NM_000435.3 (MANE Select); coding-DNA position 1672, C replaced by G.
Protein change: p.Arg558Gly; replaces arginine 558 with glycine.
Molecular consequence: missense variant.
Genome position (GRCh38, 1-based): chr19:15,187,273, G>C on the plus strand (C>G on the coding strand, the complement: NOTCH3 is on the minus strand). VCF-style: chr19-15187273-G-C. GRCh37 (hg19) VCF-style: chr19-15298084-G-C.
Other names: short protein forms R558G.
Identifiers: ClinVar variation 3354942 (VCV003354942.1).

ClinVar aggregate classification (germline): Likely benign (0 of 4 stars; one submission).

Conditions:
NOTCH3-related disorder. Also called: NOTCH3-related disorders; NOTCH3-related condition.

gnomAD v4.1: 37 of 1,613,970 alleles (0.0023%); highest among the groups gnomAD compares: Non-Finnish European, 0.00051%; no homozygotes.

Submission:

PreventionGenetics, part of Exact Sciences
Classification: Likely benign for NOTCH3-related condition. Last evaluated: 2022-03-09. Review status: no assertion criteria provided. Collection method: clinical testing. Allele origin: germline.
Comment: This variant is classified as likely benign based on ACMG/AMP sequence variant interpretation guidelines (Richards et al. 2015 PMID: 25741868, with internal and published modifications).